The following is an entry in ClinVar:

ClinVar aggregate classification (germline): Pathogenic/Likely pathogenic. Review status: criteria provided, multiple submitters, no conflicts (2 of 4 stars). 5 submissions from 5 submitters: Pathogenic (4); Likely pathogenic (1). Last evaluated 2024-03-29.

Conditions:
COG8-related disorder. Also called: COG8-related condition.
COG8-congenital disorder of glycosylation. Also called: CDG IIh; COG8-CDG. Identifiers: Orphanet 95428, MedGen C1970021, MONDO:0012635, OMIM 611182.

Submissions (5):

Genomic Medicine Center of Excellence, King Faisal Specialist Hospital and Research Centre
Classification: Pathogenic for COG8-congenital disorder of glycosylation. Last evaluated: 2024-03-29. Review status: criteria provided, single submitter. Criteria: ACMG Guidelines, 2015. Collection method: clinical testing. Allele origin: germline.

GeneDx
Classification: Likely pathogenic. Last evaluated: 2023-10-24. Review status: criteria provided, single submitter. Criteria: GeneDx Variant Classification Process June 2021. Collection method: clinical testing. Allele origin: germline. Affected: yes.
Comment: Frameshift variant predicted to result in abnormal protein length as the last 53 amino acids are replaced with 6 different amino acids, and other similar variants have been reported in HGMD; This variant is associated with the following publications: (PMID: 23806237)

PreventionGenetics, part of Exact Sciences
Classification: Pathogenic for COG8-related condition. Last evaluated: 2023-04-24. Review status: criteria provided, single submitter. Criteria: ACMG Guidelines, 2015. Collection method: clinical testing. Allele origin: germline.
Comment: The COG8 c.1680_1681delGA variant is predicted to result in a frameshift and premature protein termination (p.Glu560Aspfs*7). This variant was reported, along with a second protein-truncating variant in COG8, in an individual with developmental delay and suspected congenital disorder of glycosylation (Jones et al. 2013. PubMed ID: 23806237). This variant is reported in 0.021% of alleles in individuals of African descent in gnomAD. Frameshift variants in COG8 are expected to be pathogenic. This variant is interpreted as pathogenic.

Kasturba Medical College, Manipal, Kasturba Medical College, Manipal, Manipal Academy of Higher Education, Manipal, India
Classification: Pathogenic for COG8-congenital disorder of glycosylation. Last evaluated: 2023-01-23. Review status: criteria provided, single submitter. Criteria: ACMG Guidelines, 2015. Collection method: clinical testing. Allele origin: germline. Affected: yes.

Labcorp Genetics (formerly Invitae), Labcorp
Classification: Pathogenic for COG8-congenital disorder of glycosylation. Last evaluated: 2019-10-20. Review status: criteria provided, single submitter. Criteria: Invitae Variant Classification Sherloc (09022015). Collection method: clinical testing. Allele origin: germline.
Comment: For these reasons, this variant has been classified as Pathogenic. Loss-of-function variants in COG8 are known to be pathogenic (PMID: 17220172, 23806237). This variant has been observed in an individual affected with COG-related conditions (PMID: 23806237). This variant is present in population databases (rs780534334, ExAC 0.03%). This sequence change creates a premature translational stop signal (p.Glu560Aspfs*7) in the COG8 gene. It is expected to result in an absent or disrupted protein product.

Literature cited by the submitters: PubMed 17220172 (cited by Labcorp Genetics (formerly Invitae), Labcorp); PubMed 23806237 (cited by Labcorp Genetics (formerly Invitae), Labcorp).

NM_032382.5(COG8):c.1680_1681del (p.Glu560fs)

Genes: COG8 (component of oligomeric golgi complex 8; minus strand), LOC130059304 (ATAC-STARR-seq lymphoblastoid silent region 7657; plus strand). Cytogenetic location: 16q22.1.
Variant type: Microsatellite.
Coding change: c.1680_1681del on transcript NM_032382.5 (MANE Select); coding-DNA positions 1680 to 1681, 2 bases deleted (GA; older notation c.1680_1681delGA).
Protein change: p.Glu560fs; shifts the reading frame from glutamic acid 560.
Molecular consequence: frameshift variant. On other transcripts: intron variant (2).
Genome position (GRCh38, 1-based): chr16:69,330,997-69,330,998, TC deleted on the plus strand (GA on the coding strand, the reverse complement: COG8 is on the minus strand); deleting any 2 consecutive bases within chr16:69,330,997-69,331,005 gives the same sequence; the c. name uses the placement nearest the transcript's 3' end. VCF-style (leftmost placement, unchanged base first): chr16-69330996-GTC-G. GRCh37 (hg19) VCF-style: chr16-69364899-GTC-G.
Other names: c.1680_1681delGA (NM_032382.4); c.1821_1822del, p.Glu607fs (NM_001379261.1); c.1680_1681del, p.Glu560fs (NM_001379262.1, NM_001379264.1); c.1719_1720del, p.Glu573fs (NM_001379263.1); c.1414-1825GA[3] (NM_001379266.1); c.1582+1710GA[3] (NM_001379265.1); short protein forms E607fs, E560fs, E573fs.
Identifiers: ClinVar variation 966979 (VCV000966979.13), dbSNP rs780534334, ClinGen allele CA8133621.
Genomic context (GRCh38, chr16:69,330,996, plus strand): 5'-GGCTCTGGTGCTGGAGCTGTGAGCTCGGGCCCCAGCGCCTGGTCATCCAGGGTGAAAAGC[GTC>G]TCTCTCTTTGGCAGGATAAAGGCGAGGGGCTCCTGAATGGCGCCGATGTTCACATGCCCT-3'